The following is an entry in ClinVar:

ClinVar aggregate classification (germline): Uncertain significance (1 of 4 stars; one submission).

gnomAD v4.1: 4 of 1,613,424 alleles (0.00025%); highest among the groups gnomAD compares: East Asian, 0.0022%; no homozygotes.

Submission:

Labcorp Genetics (formerly Invitae), Labcorp
Classification: Uncertain significance. Last evaluated: 2024-11-21. Review status: criteria provided, single submitter. Criteria: Invitae Variant Classification Sherloc (09022015). Collection method: clinical testing. Allele origin: germline.
Comment: This sequence change replaces asparagine, which is neutral and polar, with serine, which is neutral and polar, at codon 665 of the CACNA1E protein (p.Asn665Ser). This variant is present in population databases (no rsID available, gnomAD 0.006%). This variant has not been reported in the literature in individuals affected with CACNA1E-related conditions. Invitae Evidence Modeling of protein sequence and biophysical properties (such as structural, functional, and spatial information, amino acid conservation, physicochemical variation, residue mobility, and thermodynamic stability) has been performed for this missense variant. However, the output from this modeling did not meet the statistical confidence thresholds required to predict the impact of this variant on CACNA1E protein function. In summary, the available evidence is currently insufficient to determine the role of this variant in disease. Therefore, it has been classified as a Variant of Uncertain Significance.

NM_001205293.3(CACNA1E):c.1994A>G (p.Asn665Ser)

Gene: CACNA1E (calcium voltage-gated channel subunit alpha1 E; plus strand). Cytogenetic location: 1q25.3.
Variant type: single nucleotide variant.
Coding change: c.1994A>G on transcript NM_001205293.3 (MANE Select); coding-DNA position 1994, A replaced by G.
Protein change: p.Asn665Ser; replaces asparagine 665 with serine.
Molecular consequence: missense variant.
Genome position (GRCh38, 1-based): chr1:181,721,795, A>G. VCF-style: chr1-181721795-A-G. GRCh37 (hg19) VCF-style: chr1-181690931-A-G.
Other names: c.1994A>G, p.Asn665Ser (NM_000721.4, NM_001205294.2); short protein forms N665S.
Identifiers: ClinVar variation 3631314 (VCV003631314.2).